The following is an entry in ClinVar:

ClinVar aggregate classification (germline): Uncertain significance (1 of 4 stars; one submission).

Conditions:
Early-infantile DEE. Also called: Ohtahara syndrome; Early infantile epileptic encephalopathy with suppression bursts; Early infantile epileptic encephalopathy. Identifiers: Orphanet 1934, MedGen C0393706, MONDO:0800491.

Submission:

Labcorp Genetics (formerly Invitae), Labcorp
Classification: Uncertain significance for Early-infantile DEE. Last evaluated: 2020-01-30. Review status: criteria provided, single submitter. Criteria: Invitae Variant Classification Sherloc (09022015). Collection method: clinical testing. Allele origin: germline.
Comment: In summary, the available evidence is currently insufficient to determine the role of this variant in disease. Therefore, it has been classified as a Variant of Uncertain Significance. Experimental studies and prediction algorithms are not available or were not evaluated, and the functional significance of this variant is currently unknown. This variant has not been reported in the literature in individuals with SCN1A-related conditions. This variant is not present in population databases (ExAC no frequency). This variant, c.6006_6008del, is a complex sequence change that results in the deletion of 2 and insertion of 1 amino acid(s) in the SCN1A protein (p.Lys2002_Asp2003delinsAsn).

NM_001165963.4(SCN1A):c.6006_6008del (p.Lys2002_Asp2003delinsAsn)

Genes: SCN1A (sodium voltage-gated channel alpha subunit 1; minus strand), LOC102724058 (uncharacterized LOC102724058; plus strand). Cytogenetic location: 2q24.3.
Variant type: Deletion.
Coding change: c.6006_6008del on transcript NM_001165963.4 (MANE Select); coding-DNA positions 6006 to 6008, 3 bases deleted (AGA; older notation c.6006_6008delAGA).
Protein change: p.Lys2002_Asp2003delinsAsn.
Molecular consequence: inframe indel. On other transcripts: non-coding transcript variant (1).
Genome position (GRCh38, 1-based): chr2:165,991,267-165,991,269, TCT deleted on the plus strand (AGA on the coding strand, the reverse complement: SCN1A is on the minus strand); deleting any 3 consecutive bases within chr2:165,991,267-165,991,270 gives the same sequence; the c. name uses the placement nearest the transcript's 3' end. VCF-style (leftmost placement, unchanged base first): chr2-165991266-ATCT-A. GRCh37 (hg19) VCF-style: chr2-166847776-ATCT-A.
Other names: c.5922_5924del, p.Lys1974_Asp1975delinsAsn (NM_001165964.3, NM_001353957.2, NM_001353958.2); c.6006_6008del, p.Lys2002_Asp2003delinsAsn (NM_001202435.3, NM_001353948.2); c.5973_5975del, p.Lys1991_Asp1992delinsAsn (NM_001353949.2, NM_001353950.2, NM_001353951.2 and 2 more transcripts); c.5970_5972del, p.Lys1990_Asp1991delinsAsn (NM_001353954.2, NM_001353955.2); c.5919_5921del, p.Lys1973_Asp1974delinsAsn (NM_001353960.2); c.3564_3566del, p.Lys1188_Asp1189delinsAsn (NM_001353961.2).
Identifiers: ClinVar variation 1016118 (VCV001016118.10), dbSNP rs1689085952, ClinGen allele CA1304837814.